The following is an entry in ClinVar:

NM_000777.5(CYP3A5):c.1035dup (p.Thr346fs)

Genes: CYP3A5 (cytochrome P450 family 3 subfamily A member 5; minus strand), ZSCAN25 (zinc finger and SCAN domain containing 25; plus strand). Cytogenetic location: 7q22.1.
Variant type: Duplication.
Coding change: c.1035dup on transcript NM_000777.5 (MANE Select); coding-DNA position 1035, one base duplicated (T; older notation c.1035dupT).
Protein change: p.Thr346fs; shifts the reading frame from threonine 346.
Molecular consequence: frameshift variant. On other transcripts: intron variant (2), non-coding transcript variant (1).
Genome position (GRCh38, 1-based): chr7:99,652,771, A duplicated on the plus strand (T on the coding strand, the reverse complement: CYP3A5 is on the minus strand). VCF-style (leftmost placement, unchanged base first): chr7-99652770-T-TA. GRCh37 (hg19) VCF-style: chr7-99250393-T-TA.
Other names: c.806-16324dup (NM_001350985.2, NM_001350984.2); c.696dup, p.Thr233fs (NM_001291829.2); c.1005dup, p.Thr336fs (NM_001291830.2); short protein forms T233fs, T336fs, T346fs.
Identifiers: ClinVar variation 3038280 (VCV003038280.2), dbSNP rs41303343, ClinGen allele CA4368449.

ClinVar aggregate classification (germline): Likely benign (0 of 4 stars; one submission).

Conditions:
CYP3A5-related disorder. Also called: CYP3A5-related condition.

Allele frequency attached by ClinVar (database versions not stated): 1000 Genomes Project 0.03155; TOPMed 0.03266; gnomAD 0.02926; 1000 Genomes Project 30x 0.03295; ESP Exome Variant Server 0.03371; ExAC 0.00944; gnomAD exomes 0.00266.

Submission:

PreventionGenetics, part of Exact Sciences
Classification: Likely benign for CYP3A5-related condition. Last evaluated: 2021-07-21. Review status: no assertion criteria provided. Collection method: clinical testing. Allele origin: germline.
Comment: This variant is classified as likely benign based on ACMG/AMP sequence variant interpretation guidelines (Richards et al. 2015 PMID: 25741868, with internal and published modifications).